The following is an entry in ClinVar:

NM_007294.4(BRCA1):c.2038A>G (p.Lys680Glu)

Gene: BRCA1 (BRCA1 DNA repair associated; minus strand). Cytogenetic location: 17q21.31.
Variant type: single nucleotide variant.
Coding change: c.2038A>G on transcript NM_007294.4 (MANE Select); coding-DNA position 2038, A replaced by G.
Protein change: p.Lys680Glu; replaces lysine 680 with glutamic acid.
Molecular consequence: missense variant. On other transcripts: intron variant (137).
Genome position (GRCh38, 1-based): chr17:43,093,493, T>C on the plus strand (A>G on the coding strand, the complement: BRCA1 is on the minus strand). VCF-style: chr17-43093493-T-C. GRCh37 (hg19) VCF-style: chr17-41245510-T-C.
Other names: c.664+1251A>G (NM_001408441.1, NM_001408437.1, NM_001408429.1 and 12 more transcripts); c.787+1251A>G (NM_001407979.1, NM_001407977.1, NM_001407982.1 and 19 more transcripts); c.646+1251A>G (NM_001408410.1, NM_001408458.1, NM_001408469.1 and 11 more transcripts); c.709+1251A>G (NM_001408415.1, NM_001408412.1, NM_001408409.1 and 2 more transcripts); c.577+1251A>G (NM_001408483.1, NM_001408481.1, NM_001408480.1 and 9 more transcripts); c.1825A>G, p.Lys609Glu (NM_001407571.1, NM_001407853.1, NM_001407894.1 and 9 more transcripts); c.2038A>G, p.Lys680Glu (NM_001407581.1, NM_001407582.1, NM_001407583.1 and 30 more transcripts); c.2035A>G, p.Lys679Glu (NM_001407587.1, NM_001407590.1, NM_001407591.1 and 22 more transcripts); and 40 more; short protein forms K680E, K633E, K512E, K569E, K592E, K609E, K612E, K639E.
Identifiers: ClinVar variation 629034 (VCV000629034.14), dbSNP rs1135401850, ClinGen allele CA10597933.
Genomic context (GRCh38, chr17:43,093,493, plus strand): 5'-GCTCTGGGAAAGTATCGCTGTCATGTCTTTTACTTGTCTGTTCATTTGGCTTGTTACTCT[T>C]CTTGGCTCCAGTTGCAGGTTCTTTACCTTCCATGAGTTGTAGGTTTCTGCTGTGCCTGAC-3'
Protein context (NP_009225.1, residues 670-690): EGKEPATGAK[Lys680Glu]SNKPNEQTSK

ClinVar aggregate classification (germline): Conflicting classifications of pathogenicity. Review status: criteria provided, conflicting classifications (1 of 4 stars). 4 submissions from 4 submitters: Uncertain significance (3); Likely benign (1). Last evaluated 2023-10-09.

Conditions:
Hereditary cancer-predisposing syndrome. Also called: Neoplastic Syndromes, Hereditary; Tumor predisposition; Hereditary neoplastic syndrome; Hereditary Cancer Syndrome. Identifiers: Orphanet 140162, MedGen C0027672, MeSH D009386, MONDO:0015356.
Hereditary breast ovarian cancer syndrome. Also called: Hereditary breast and ovarian cancer syndrome; Hereditary breast and ovarian cancer; Hereditary breast and ovarian cancer syndrome (HBOC); Breast and ovarian cancer; Hereditary breast and/or ovarian cancer syndrome; BRCA1- and BRCA2-Associated Hereditary Breast and Ovarian Cancer. Identifiers: Orphanet 145, MedGen C0677776, MeSH D061325, MONDO:0003582. Disease mechanism: loss of function.

Submissions (4):

Labcorp Genetics (formerly Invitae), Labcorp
Classification: Uncertain significance for Hereditary breast ovarian cancer syndrome. Last evaluated: 2023-10-09. Review status: criteria provided, single submitter. Criteria: Invitae Variant Classification Sherloc (09022015). Collection method: clinical testing. Allele origin: germline.
Comment: This sequence change replaces lysine, which is basic and polar, with glutamic acid, which is acidic and polar, at codon 680 of the BRCA1 protein (p.Lys680Glu). This variant is not present in population databases (gnomAD no frequency). This variant has not been reported in the literature in individuals affected with BRCA1-related conditions. ClinVar contains an entry for this variant (Variation ID: 629034). Advanced modeling of protein sequence and biophysical properties (such as structural, functional, and spatial information, amino acid conservation, physicochemical variation, residue mobility, and thermodynamic stability) performed at Invitae indicates that this missense variant is not expected to disrupt BRCA1 protein function. In summary, the available evidence is currently insufficient to determine the role of this variant in disease. Therefore, it has been classified as a Variant of Uncertain Significance.

Ambry Genetics
Classification: Uncertain significance for Hereditary cancer-predisposing syndrome. Last evaluated: 2023-05-04. Review status: criteria provided, single submitter. Criteria: Ambry Variant Classification Scheme 2023. Collection method: clinical testing. Allele origin: germline.
Comment: The p.K680E variant (also known as c.2038A>G), located in coding exon 9 of the BRCA1 gene, results from an A to G substitution at nucleotide position 2038. The lysine at codon 680 is replaced by glutamic acid, an amino acid with similar properties. This amino acid position is well conserved in available vertebrate species. In addition, the in silico prediction for this alteration is inconclusive. Since supporting evidence is limited at this time, the clinical significance of this alteration remains unclear.

University of Washington Department of Laboratory Medicine, University of Washington
Classification: Likely benign for Hereditary cancer-predisposing syndrome. Last evaluated: 2023-03-23. Review status: criteria provided, single submitter. Criteria: Dines et al. (Genet Med. 2020). Collection method: curation. Allele origin: germline.
Comment: Missense variant in a coldspot region where missense variants are very unlikely to be pathogenic (PMID:31911673).

BRCA1 coldspot (exon 11 using historical exon numbering). Reclassification based on statistical prior probability

Color Diagnostics, LLC DBA Color Health
Classification: Uncertain significance for Hereditary cancer-predisposing syndrome. Last evaluated: 2019-04-06. Review status: criteria provided, single submitter. Criteria: ACMG Guidelines, 2015. Collection method: clinical testing. Allele origin: germline.